The following is an entry in ClinVar:

ClinVar aggregate classification (germline): Pathogenic (1 of 4 stars; one submission).

Conditions:
Peroxisome biogenesis disorder 3A (Zellweger). Also called: PEROXISOMAL BIOGENESIS DISORDER 3A (ZELLWEGER); Peroxisome biogenesis disorder 3A. Identifiers: Orphanet 912, MedGen C3553929, MONDO:0013927, OMIM 614859.

Submission:

Labcorp Genetics (formerly Invitae), Labcorp
Classification: Pathogenic for Peroxisome biogenesis disorder 3A (Zellweger). Last evaluated: 2023-05-05. Review status: criteria provided, single submitter. Criteria: Invitae Variant Classification Sherloc (09022015). Collection method: clinical testing. Allele origin: germline.
Comment: This variant is not present in population databases (gnomAD no frequency). For these reasons, this variant has been classified as Pathogenic. This variant disrupts a region of the PEX12 protein in which other variant(s) (p.Gln349del) have been determined to be pathogenic (PMID: 15542397, 21031596, 33123925; Invitae). This suggests that this is a clinically significant region of the protein, and that variants that disrupt it are likely to be disease-causing. This variant has not been reported in the literature in individuals affected with PEX12-related conditions. This sequence change creates a premature translational stop signal (p.Leu297*) in the PEX12 gene. While this is not anticipated to result in nonsense mediated decay, it is expected to disrupt the last 63 amino acid(s) of the PEX12 protein.

Literature cited by the submitters: PubMed 15542397; PubMed 21031596; PubMed 33123925.

NM_000286.3(PEX12):c.890T>G (p.Leu297Ter)

Gene: PEX12 (peroxisomal biogenesis factor 12; minus strand). Cytogenetic location: 17q12.
Variant type: single nucleotide variant.
Coding change: c.890T>G on transcript NM_000286.3 (MANE Select); coding-DNA position 890, T replaced by G.
Protein change: p.Leu297Ter; replaces leucine 297 with a stop codon.
Molecular consequence: nonsense.
Genome position (GRCh38, 1-based): chr17:35,575,972, A>C on the plus strand (T>G on the coding strand, the complement: PEX12 is on the minus strand). VCF-style: chr17-35575972-A-C. GRCh37 (hg19) VCF-style: chr17-33902991-A-C.
Other names: short protein forms L297*.
Identifiers: ClinVar variation 2862029 (VCV002862029.3), dbSNP rs768427035, ClinGen allele CA399137161.